The following is an entry in ClinVar:

NM_000275.3(OCA2):c.2338G>A (p.Gly780Ser)

Gene: OCA2 (OCA2 melanosomal transmembrane protein; minus strand). Cytogenetic location: 15q13.1.
Variant type: single nucleotide variant.
Coding change: c.2338G>A on transcript NM_000275.3 (MANE Select); coding-DNA position 2338, G replaced by A.
Protein change: p.Gly780Ser; replaces glycine 780 with serine.
Molecular consequence: missense variant.
Genome position (GRCh38, 1-based): chr15:27,851,382, C>T on the plus strand (G>A on the coding strand, the complement: OCA2 is on the minus strand). VCF-style: chr15-27851382-C-T. GRCh37 (hg19) VCF-style: chr15-28096528-C-T.
Other names: c.2266G>A, p.Gly756Ser (NM_001300984.2); short protein forms G756S, G780S.
Identifiers: ClinVar variation 4532270 (VCV004532270.1).

ClinVar aggregate classification (germline): Likely pathogenic (1 of 4 stars; one submission).

Conditions:
Tyrosinase-positive oculocutaneous albinism (OCA2). Also called: ALBINISM II; Oculocutaneous albinism type 2; Albinism, oculocutaneous, type II. Identifiers: Orphanet 79432, MedGen C0268495, MONDO:0008746, OMIM 203200.

Submission:

Keimyung University Dongsan Hospital, Keimyung University School of Medicine
Classification: Likely pathogenic for Tyrosinase-positive oculocutaneous albinism. Last evaluated: 2025-11-24. Review status: criteria provided, single submitter. Criteria: ACMG Guidelines, 2015. Collection method: clinical testing. Allele origin: germline. Inheritance: Autosomal dominant inheritance. Affected: yes. Observed: 10 variant alleles, 10 heterozygotes. Clinical features observed: Facial capillary hemangioma (HP:0000996), Anterior segment dysgenesis (HP:0007700), ERG: Reduced dark-adapted b-wave amplitude (HP:0007984), Abnormal eye morphology (HP:0012372), Abnormal fundus morphology (HP:0001098), Progressive repigmentation in adulthood.
Comment: This variant was identified in two unrelated Korean families with oculocutaneous albinism and progressive repigmentation. The variant segregates with disease across at least three generations in both families. The variant is absent from population databases, including gnomAD, and multiple computational tools predict a deleterious effect. The phenotype is highly specific for OCA2-related albinism. Evidence supports PM2, PP1 (moderate), PP3, PP4, and PS4 (supporting). Overall classification: Likely pathogenic.

Literature cited by the submitters: PubMed 33815692.